The following is an entry in ClinVar:

NM_020778.5(ALPK3):c.4630T>C (p.Ser1544Pro)

Gene: ALPK3 (alpha kinase 3; plus strand). Cytogenetic location: 15q25.3.
Variant type: single nucleotide variant.
Coding change: c.4630T>C on transcript NM_020778.5 (MANE Select); coding-DNA position 4630, T replaced by C.
Protein change: p.Ser1544Pro; replaces serine 1544 with proline.
Molecular consequence: missense variant.
Genome position (GRCh38, 1-based): chr15:84,864,572, T>C. VCF-style: chr15-84864572-T-C. GRCh37 (hg19) VCF-style: chr15-85407803-T-C.
Other names: short protein forms S1544P.
Identifiers: ClinVar variation 2133477 (VCV002133477.4), dbSNP rs1366184047, ClinGen allele CA393365149.

ClinVar aggregate classification (germline): Uncertain significance (1 of 4 stars; one submission).

Allele frequency attached by ClinVar (database versions not stated): TOPMed below 0.00001; gnomAD exomes 0.00001.

Submission:

Labcorp Genetics (formerly Invitae), Labcorp
Classification: Uncertain significance. Last evaluated: 2022-09-23. Review status: criteria provided, single submitter. Criteria: Invitae Variant Classification Sherloc (09022015). Collection method: clinical testing. Allele origin: germline.
Comment: This variant is present in population databases (no rsID available, gnomAD 0.007%). Algorithms developed to predict the effect of missense changes on protein structure and function output the following: SIFT: "Tolerated"; PolyPhen-2: "Benign"; Align-GVGD: "Class C0". The proline amino acid residue is found in multiple mammalian species, which suggests that this missense change does not adversely affect protein function. This variant has not been reported in the literature in individuals affected with ALPK3-related conditions. This sequence change replaces serine, which is neutral and polar, with proline, which is neutral and non-polar, at codon 1746 of the ALPK3 protein (p.Ser1746Pro). In summary, the available evidence is currently insufficient to determine the role of this variant in disease. Therefore, it has been classified as a Variant of Uncertain Significance.